The following is an entry in ClinVar:

NM_001845.6(COL4A1):c.1257T>C (p.Pro419=)

Gene: COL4A1 (collagen type IV alpha 1 chain; minus strand). Cytogenetic location: 13q34.
Variant type: single nucleotide variant.
Coding change: c.1257T>C on transcript NM_001845.6 (MANE Select); coding-DNA position 1257, T replaced by C.
Protein change: p.Pro419=; no amino-acid change (proline 419 retained).
Molecular consequence: synonymous variant.
Genome position (GRCh38, 1-based): chr13:110,198,495, A>G on the plus strand (T>C on the coding strand, the complement: COL4A1 is on the minus strand). VCF-style: chr13-110198495-A-G. GRCh37 (hg19) VCF-style: chr13-110850842-A-G.
Other names: p.Pro419=; c.1257T>C, p.Pro419= (NM_001303110.2).
Identifiers: ClinVar variation 258246 (VCV000258246.27), dbSNP rs995224, ClinGen allele CA7048015.
Genomic context (GRCh38, chr13:110,198,495, plus strand): 5'-CCCCACATTAAACCATTTCTGAGGGAACTCACTTGTGTAGCCAGGCTGCCCAGGGGGCCC[A>G]GGGGAACCAGGAGGACCCGGGAGCCCATCTCTTCCACTTGGTCCTGGCAGAGATGTACCA-3'
Protein context (NP_001836.3, residues 409-429): RDGLPGPPGS[Pro419=]GPPGQPGYTN

ClinVar aggregate classification (germline): Benign. Review status: criteria provided, multiple submitters, no conflicts (2 of 4 stars). 12 submissions from 11 submitters: Benign (9). 3 of the submissions do not count toward it. Last evaluated 2026-02-04.

Conditions:
Brain small vessel disease 1 with or without ocular anomalies (BSVD1). Also called: BRAIN SMALL VESSEL DISEASE WITH HEMORRHAGE; PORENCEPHALY, TYPE 1, AUTOSOMAL DOMINANT; GOULD SYNDROME 1; Brain small vessel disease with or without ocular anomalies. Identifiers: Orphanet 2940, Orphanet 36383, Orphanet 99810, MedGen C4755307, MONDO:0008289, OMIM 175780.
Autosomal dominant familial hematuria-retinal arteriolar tortuosity-contractures syndrome. Also called: Angiopathy, hereditary, with nephropathy, aneurysms, and muscle cramps; Hereditary Angiopathy with Nephropathy, Aneurysms, and Muscle Cramps (HANAC) Syndrome. Identifiers: Orphanet 73229, MedGen C2673195, MONDO:0012726, OMIM 611773.

Allele frequency attached by ClinVar (database versions not stated): 1000 Genomes Project 0.20647; 1000 Genomes Project 30x 0.21315; TOPMed 0.24140; ESP Exome Variant Server 0.25250; gnomAD 0.25803 and 0.25994; ExAC 0.25894; gnomAD exomes 0.25966 and 0.26746.
gnomAD v4.1: 428,877 of 1,613,652 alleles (27%); highest among the groups gnomAD compares: Admixed American, 33%; 59,380 homozygotes.

Submissions (12):

Labcorp Genetics (formerly Invitae), Labcorp
Classification: Benign. Last evaluated: 2026-02-04. Review status: criteria provided, single submitter. Criteria: Invitae Variant Classification Sherloc (09022015). Collection method: clinical testing. Allele origin: germline.

Blueprint Genetics
Classification: Benign. Last evaluated: 2024-11-27. Review status: criteria provided, single submitter. Criteria: ACMG Guidelines, 2015. Collection method: clinical testing. Allele origin: germline.

Mayo Clinic Laboratories, Mayo Clinic
Classification: Benign. Last evaluated: 2022-04-26. Review status: criteria provided, single submitter. Criteria: ACMG Guidelines, 2015. Collection method: clinical testing. Allele origin: germline. Observed: 537 variant alleles.

Illumina Laboratory Services, Illumina
Classification: Benign for Autosomal dominant familial hematuria-retinal arteriolar tortuosity-contractures syndrome. Last evaluated: 2018-01-12. Review status: criteria provided, single submitter. Criteria: ICSL Variant Classification Criteria 13 December 2019. Collection method: clinical testing. Allele origin: germline.
Comment: This variant was observed in the ICSL laboratory as part of a predisposition screen in an ostensibly healthy population. It had not been previously curated by ICSL or reported in the Human Gene Mutation Database (HGMD: prior to June 1st, 2018), and was therefore a candidate for classification through an automated scoring system. Utilizing variant allele frequency, disease prevalence and penetrance estimates, and inheritance mode, an automated score was calculated to assess if this variant is too frequent to cause the disease. Based on the score and internal cut-off values, a variant classified as benign is not then subjected to further curation. The score for this variant resulted in a classification of benign for this disease.

Illumina Laboratory Services, Illumina
Classification: Benign for Brain small vessel disease 1 with or without ocular anomalies. Last evaluated: 2018-01-12. Review status: criteria provided, single submitter. Criteria: ICSL Variant Classification Criteria 13 December 2019. Collection method: clinical testing. Allele origin: germline.
Comment: the same text as in the submission from Illumina Laboratory Services, Illumina above.

GeneDx
Classification: Benign. Last evaluated: 2017-11-14. Review status: criteria provided, single submitter. Criteria: GeneDx Variant Classification (06012015). Collection method: clinical testing. Allele origin: germline. Affected: yes.
Comment: This variant is considered likely benign or benign based on one or more of the following criteria: it is a conservative change, it occurs at a poorly conserved position in the protein, it is predicted to be benign by multiple in silico algorithms, and/or has population frequency not consistent with disease.

Athena Diagnostics
Classification: Benign for Brain small vessel disease 1 with or without ocular anomalies. Last evaluated: 2017-06-02. Review status: criteria provided, single submitter. Criteria: Athena Diagnostics Criteria. Collection method: clinical testing. Allele origin: germline.

Breakthrough Genomics
Classification: Benign. Review status: criteria provided, single submitter. Criteria: ACMG Guidelines, 2015. Collection method: not provided. Allele origin: germline. Inheritance: Autosomal dominant inheritance. Affected: yes.

PreventionGenetics, part of Exact Sciences
Classification: Benign. Review status: criteria provided, single submitter. Criteria: ACMG Guidelines, 2015. Collection method: clinical testing. Allele origin: germline.

Clinical Genetics DNA and cytogenetics Diagnostics Lab, Erasmus MC, Erasmus Medical Center
Classification: Benign. Review status: no assertion criteria provided. Collection method: clinical testing. Allele origin: germline. Affected: yes. Study: VKGL Data-share Consensus. Not counted in ClinVar's aggregate classification.

Diagnostic Laboratory, Department of Genetics, University Medical Center Groningen
Classification: Benign. Review status: no assertion criteria provided. Collection method: clinical testing. Allele origin: germline. Affected: yes. Study: VKGL Data-share Consensus. Not counted in ClinVar's aggregate classification.

Joint Genome Diagnostic Labs from Nijmegen and Maastricht, Radboudumc and MUMC+
Classification: Benign. Review status: no assertion criteria provided. Collection method: clinical testing. Allele origin: germline. Affected: yes. Study: VKGL Data-share Consensus. Not counted in ClinVar's aggregate classification.